The following is an entry in ClinVar:

NM_001114980.2(TP63):c.26del (p.Gln9fs)

Gene: TP63 (tumor protein p63; plus strand). Cytogenetic location: 3q28.
Variant type: Deletion.
Coding change: c.26del on transcript NM_001114980.2 (MANE Plus Clinical); coding-DNA position 26, one base deleted (A; older notation c.26delA).
Protein change: p.Gln9fs; shifts the reading frame from glutamine 9.
Molecular consequence: frameshift variant. On other transcripts: intron variant (6).
Genome position (GRCh38, 1-based): chr3:189,789,826, A deleted. VCF-style (leftmost placement, unchanged base first): chr3-189789825-CA-C. GRCh37 (hg19) VCF-style: chr3-189507614-CA-C.
Other names: c.26del, p.Gln9fs (NM_001114981.2, NM_001114982.2, NM_001329145.2 and 3 more transcripts); c.319-18446del (NM_001329964.2); c.325-18446del (NM_003722.5, NM_001114978.2, NM_001329144.2 and 2 more transcripts); short protein forms Q9fs.
Identifiers: ClinVar variation 449513 (VCV000449513.5), dbSNP rs1553840705, ClinGen allele CA658657360.

ClinVar aggregate classification (germline): Pathogenic. Review status: criteria provided, multiple submitters, no conflicts (2 of 4 stars). 2 submissions from 2 submitters: Pathogenic (2). Last evaluated 2021-03-11.

Conditions:
TP63-related disorder. Also called: TP63-related condition; TP63-Related Disorders. Identifiers: MedGen CN380159.

Submissions (2):

GeneDx
Classification: Pathogenic. Last evaluated: 2021-03-11. Review status: criteria provided, single submitter. Criteria: GeneDx Variant Classification Process June 2021. Collection method: clinical testing. Allele origin: germline. Affected: yes.
Comment: Identified in a patient with ankyloblepharon, absent hard palate, and atrial septal defect with no known skin abnormalities in published literature (Rinne et al., 2008); Published functional studies demonstrate aberrant translation leading to a new isoform lacking a region important for protein activity (Rinne et al., 2008; Lena et al., 2015); Deletion encoding a functionally important protein region; Not observed in large population cohorts (Lek et al., 2016); This variant is associated with the following publications: (PMID: 20491771, 26408908, 18364388)

Blueprint Genetics
Classification: Pathogenic for TP63-related disorders. Last evaluated: 2019-09-30. Review status: criteria provided, single submitter. Criteria: ACMG Guidelines, 2015. Collection method: clinical testing. Allele origin: germline. Affected: yes. Observed: 1 variant allele.